The following is an entry in ClinVar:

NM_004100.5(EYA4):c.824C>A (p.Ala275Asp)

Gene: EYA4 (EYA transcriptional coactivator and phosphatase 4; plus strand). Cytogenetic location: 6q23.2.
Variant type: single nucleotide variant.
Coding change: c.824C>A on transcript NM_004100.5 (MANE Select); coding-DNA position 824, C replaced by A.
Protein change: p.Ala275Asp; replaces alanine 275 with aspartic acid.
Molecular consequence: missense variant.
Genome position (GRCh38, 1-based): chr6:133,468,585, C>A. VCF-style: chr6-133468585-C-A. GRCh37 (hg19) VCF-style: chr6-133789723-C-A.
Other names: c.662C>A, p.Ala221Asp (NM_001301012.2, NM_001370459.1); c.824C>A, p.Ala275Asp (NM_001301013.2, NM_172105.4); c.755C>A, p.Ala252Asp (NM_001370458.1, NM_172103.4); c.824C>A (NM_004100.4); short protein forms A252D, A221D, A275D.
Identifiers: ClinVar variation 2198415 (VCV002198415.5), dbSNP rs748654006, ClinGen allele CA4008168.

ClinVar aggregate classification (germline): Uncertain significance. Review status: criteria provided, multiple submitters, no conflicts (2 of 4 stars). 2 submissions from 2 submitters: Uncertain significance (2). Last evaluated 2024-03-15.

Conditions:
Dilated cardiomyopathy 1J (CMD1J). Also called: CARDIOMYOPATHY, DILATED, WITH SENSORINEURAL HEARING LOSS, AUTOSOMAL DOMINANT. Identifiers: Orphanet 217622, MedGen C1854368, MONDO:0011541, OMIM 605362.
Cardiovascular phenotype. Identifiers: MedGen CN230736.

gnomAD v4.1: 4 of 1,611,578 alleles (0.00025%); highest among the groups gnomAD compares: Admixed American, 0.0033%; no homozygotes.

Submissions (2):

Ambry Genetics
Classification: Uncertain significance for Cardiovascular phenotype. Last evaluated: 2024-03-15. Review status: criteria provided, single submitter. Criteria: Ambry Variant Classification Scheme 2023. Collection method: clinical testing. Allele origin: germline.
Comment: The p.A275D variant (also known as c.824C>A), located in coding exon 10 of the EYA4 gene, results from a C to A substitution at nucleotide position 824. The alanine at codon 275 is replaced by aspartic acid, an amino acid with dissimilar properties. This amino acid position is conserved. In addition, the in silico prediction for this alteration is inconclusive. Based on the available evidence, the clinical significance of this alteration remains unclear.

Labcorp Genetics (formerly Invitae), Labcorp
Classification: Uncertain significance for Dilated cardiomyopathy 1J. Last evaluated: 2022-04-16. Review status: criteria provided, single submitter. Criteria: Invitae Variant Classification Sherloc (09022015). Collection method: clinical testing. Allele origin: germline.
Comment: In summary, the available evidence is currently insufficient to determine the role of this variant in disease. Therefore, it has been classified as a Variant of Uncertain Significance. Algorithms developed to predict the effect of missense changes on protein structure and function (SIFT, PolyPhen-2, Align-GVGD) all suggest that this variant is likely to be tolerated. This variant has not been reported in the literature in individuals affected with EYA4-related conditions. This variant is present in population databases (rs748654006, gnomAD 0.006%). This sequence change replaces alanine, which is neutral and non-polar, with aspartic acid, which is acidic and polar, at codon 275 of the EYA4 protein (p.Ala275Asp).